The following is an entry in ClinVar:

ClinVar aggregate classification (germline): Uncertain significance (1 of 4 stars; one submission).

Allele frequency attached by ClinVar (database versions not stated): gnomAD exomes below 0.00001; gnomAD 0.00001.
gnomAD v4.1: 2 of 1,613,642 alleles (0.00012%); highest among the groups gnomAD compares: African/African-American, 0.0013%; no homozygotes.

Submission:

Labcorp Genetics (formerly Invitae), Labcorp
Classification: Uncertain significance. Last evaluated: 2023-07-10. Review status: criteria provided, single submitter. Criteria: Invitae Variant Classification Sherloc (09022015). Collection method: clinical testing. Allele origin: germline.
Comment: This variant is present in population databases (no rsID available, gnomAD 0.01%). This sequence change replaces leucine, which is neutral and non-polar, with phenylalanine, which is neutral and non-polar, at codon 2055 of the NBAS protein (p.Leu2055Phe). This variant has not been reported in the literature in individuals affected with NBAS-related conditions. In summary, the available evidence is currently insufficient to determine the role of this variant in disease. Therefore, it has been classified as a Variant of Uncertain Significance. Advanced modeling of protein sequence and biophysical properties (such as structural, functional, and spatial information, amino acid conservation, physicochemical variation, residue mobility, and thermodynamic stability) has been performed at Invitae for this missense variant, however the output from this modeling did not meet the statistical confidence thresholds required to predict the impact of this variant on NBAS protein function. ClinVar contains an entry for this variant (Variation ID: 1966190).

NM_015909.4(NBAS):c.6163C>T (p.Leu2055Phe)

Gene: NBAS (NBAS subunit of NRZ tethering complex; minus strand). Cytogenetic location: 2p24.3.
Variant type: single nucleotide variant.
Coding change: c.6163C>T on transcript NM_015909.4 (MANE Select); coding-DNA position 6163, C replaced by T.
Protein change: p.Leu2055Phe; replaces leucine 2055 with phenylalanine.
Molecular consequence: missense variant. On other transcripts: non-coding transcript variant (1).
Genome position (GRCh38, 1-based): chr2:15,232,495, G>A on the plus strand (C>T on the coding strand, the complement: NBAS is on the minus strand). VCF-style: chr2-15232495-G-A. GRCh37 (hg19) VCF-style: chr2-15372619-G-A.
Other names: short protein forms L2055F.
Identifiers: ClinVar variation 1966190 (VCV001966190.5), dbSNP rs371285580, ClinGen allele CA345887511.